The following is an entry in ClinVar:

ClinVar aggregate classification (germline): Likely benign (1 of 4 stars; one submission).

Allele frequency attached by ClinVar (database versions not stated): gnomAD exomes below 0.00001.
gnomAD v4.1: 2 of 1,604,868 alleles (0.00012%); highest among the groups gnomAD compares: Non-Finnish European, 0.00017%; no homozygotes.

Submission:

CeGaT Center for Human Genetics Tuebingen
Classification: Likely benign. Last evaluated: 2022-04-01. Review status: criteria provided, single submitter. Criteria: CeGaT Center For Human Genetics Tuebingen Variant Classification Criteria Version 2. Collection method: clinical testing. Allele origin: germline. Affected: yes. Observed: 1 variant allele.
Comment: SCN4A: PM2:Supporting, BP4, BP7

NM_000334.4(SCN4A):c.1473G>A (p.Leu491=)

Gene: SCN4A (sodium voltage-gated channel alpha subunit 4; minus strand). Cytogenetic location: 17q23.3.
Variant type: single nucleotide variant.
Coding change: c.1473G>A on transcript NM_000334.4 (MANE Select); coding-DNA position 1473, G replaced by A.
Protein change: p.Leu491=; no amino-acid change (leucine 491 retained).
Molecular consequence: synonymous variant.
Genome position (GRCh38, 1-based): chr17:63,963,805, C>T on the plus strand (G>A on the coding strand, the complement: SCN4A is on the minus strand). VCF-style: chr17-63963805-C-T. GRCh37 (hg19) VCF-style: chr17-62041165-C-T.
Identifiers: ClinVar variation 2648093 (VCV002648093.24), dbSNP rs2509314359, ClinGen allele CA501225963.